The following is an entry in ClinVar:

NM_001374736.1(DST):c.4499G>A (p.Gly1500Asp)

Gene: DST (dystonin; minus strand). Cytogenetic location: 6p12.1.
Variant type: single nucleotide variant.
Coding change: c.4499G>A on transcript NM_001374736.1 (MANE Select); coding-DNA position 4499, G replaced by A.
Protein change: p.Gly1500Asp; replaces glycine 1500 with aspartic acid.
Molecular consequence: missense variant.
Genome position (GRCh38, 1-based): chr6:56,628,138, C>T on the plus strand (G>A on the coding strand, the complement: DST is on the minus strand). VCF-style: chr6-56628138-C-T. GRCh37 (hg19) VCF-style: chr6-56492936-C-T.
Other names: c.4400G>A, p.Gly1467Asp (NM_001144769.5); c.3986G>A, p.Gly1329Asp (NM_001144770.2); c.4499G>A, p.Gly1500Asp (NM_001374722.1); c.3866G>A, p.Gly1289Asp (NM_001374729.1, NM_001374730.1, NM_001386100.1 and 1 more transcripts); c.4526G>A, p.Gly1509Asp (NM_001374734.1); c.2888G>A, p.Gly963Asp (NM_001723.7, NM_015548.5); short protein forms G1467D, G1509D, G1289D, G963D, G1329D, G1500D.
Identifiers: ClinVar variation 1401071 (VCV001401071.10), dbSNP rs2152753280, ClinGen allele CA364573463.

ClinVar aggregate classification (germline): Uncertain significance. Review status: criteria provided, multiple submitters, no conflicts (2 of 4 stars). 2 submissions from 2 submitters: Uncertain significance (2). Last evaluated 2025-04-21.

Conditions:
Hereditary sensory and autonomic neuropathy type 6. Also called: Neuropathy, hereditary sensory and autonomic, type VI; HSAN VI. Identifiers: Orphanet 314381, MedGen C3539003, MONDO:0013839, OMIM 614653.
Epidermolysis bullosa simplex 3, localized or generalized intermediate, with BP230 deficiency (EBS3). Also called: Epidermolysis bullosa simplex due to BP230 deficiency; Epidermolysis bullosa simplex, autosomal recessive 2. Identifiers: Orphanet 412181, MedGen C3809470, MONDO:0014180, OMIM 615425.

gnomAD v4.1: 4 of 1,613,646 alleles (0.00025%); highest among the groups gnomAD compares: Non-Finnish European, 0.00034%; no homozygotes.

Submissions (2):

Women's Health and Genetics/Laboratory Corporation of America, LabCorp
Classification: Uncertain significance. Last evaluated: 2025-04-21. Review status: criteria provided, single submitter. Criteria: LabCorp Variant Classification Summary - May 2015. Collection method: clinical testing. Allele origin: germline.
Comment: Variant summary: DST c.2888G>A (p.Gly963Asp) results in a non-conservative amino acid change in the encoded protein sequence. Three of five in-silico tools predict a benign effect of the variant on protein function. The variant was absent in 251316 control chromosomes. The available data on variant occurrences in the general population are insufficient to allow any conclusion about variant significance. To our knowledge, no occurrence of c.2888G>A in individuals affected with Epidermolysis bullosa simplex 3, localized or generalized intermediate, with BP230 deficiency and no experimental evidence demonstrating its impact on protein function have been reported. ClinVar contains an entry for this variant (Variation ID: 1401071). Based on the evidence outlined above, the variant was classified as uncertain significance.

Labcorp Genetics (formerly Invitae), Labcorp
Classification: Uncertain significance for Epidermolysis bullosa simplex 3, localized or generalized intermediate, with BP230 deficiency; Hereditary sensory and autonomic neuropathy type 6. Last evaluated: 2021-05-30. Review status: criteria provided, single submitter. Criteria: Invitae Variant Classification Sherloc (09022015). Collection method: clinical testing. Allele origin: germline.
Comment: In summary, the available evidence is currently insufficient to determine the role of this variant in disease. Therefore, it has been classified as a Variant of Uncertain Significance. Algorithms developed to predict the effect of missense changes on protein structure and function (SIFT, PolyPhen-2, Align-GVGD) all suggest that this variant is likely to be tolerated, but these predictions have not been confirmed by published functional studies and their clinical significance is uncertain. This variant has not been reported in the literature in individuals with DST-related conditions. This variant is not present in population databases (ExAC no frequency). This sequence change replaces glycine with aspartic acid at codon 963 of the DST protein (p.Gly963Asp). The glycine residue is highly conserved and there is a moderate physicochemical difference between glycine and aspartic acid.